The following is an entry in ClinVar:

ClinVar aggregate classification (germline): Uncertain significance. Review status: criteria provided, multiple submitters, no conflicts (2 of 4 stars). 3 submissions from 3 submitters: Uncertain significance (3). Last evaluated 2025-12-16.

Conditions:
Inborn genetic diseases. Identifiers: MedGen C0950123, MeSH D030342.
Autosomal recessive Robinow syndrome (RRS1). Also called: COSTOVERTEBRAL SEGMENTATION DEFECT WITH MESOMELIA; COVESDEM SYNDROME; ROR2-Related Robinow Syndrome; ROBINOW SYNDROME, AUTOSOMAL RECESSIVE 1. Identifiers: Orphanet 1507, Orphanet 97360, MedGen C5399974, MONDO:0009999, OMIM 268310.
Brachydactyly type B1 (BDB1). Identifiers: Orphanet 572385, Orphanet 93383, MedGen C1862112, MONDO:0007220, OMIM 113000.

Allele frequency attached by ClinVar (database versions not stated): ExAC 0.00002; TOPMed 0.00002; gnomAD exomes 0.00001.
gnomAD v4.1: 14 of 1,611,592 alleles (0.00087%); highest among the groups gnomAD compares: Admixed American, 0.0083%; no homozygotes.

Submissions (3):

Ambry Genetics
Classification: Uncertain significance for Inborn genetic diseases. Last evaluated: 2025-12-16. Review status: criteria provided, single submitter. Criteria: Ambry Variant Classification Scheme 2023. Collection method: clinical testing. Allele origin: germline.

Labcorp Genetics (formerly Invitae), Labcorp
Classification: Uncertain significance. Last evaluated: 2024-07-31. Review status: criteria provided, single submitter. Criteria: Invitae Variant Classification Sherloc (09022015). Collection method: clinical testing. Allele origin: germline.
Comment: This sequence change replaces proline, which is neutral and non-polar, with leucine, which is neutral and non-polar, at codon 570 of the ROR2 protein (p.Pro570Leu). This variant is present in population databases (rs546802275, gnomAD 0.01%). This variant has not been reported in the literature in individuals affected with ROR2-related conditions. ClinVar contains an entry for this variant (Variation ID: 2205002). Advanced modeling of protein sequence and biophysical properties (such as structural, functional, and spatial information, amino acid conservation, physicochemical variation, residue mobility, and thermodynamic stability) performed at Invitae indicates that this missense variant is expected to disrupt ROR2 protein function with a positive predictive value of 80%. In summary, the available evidence is currently insufficient to determine the role of this variant in disease. Therefore, it has been classified as a Variant of Uncertain Significance.

Fulgent Genetics
Classification: Uncertain significance for Brachydactyly type B1; Autosomal recessive Robinow syndrome. Last evaluated: 2024-05-08. Review status: criteria provided, single submitter. Criteria: ACMG Guidelines, 2015. Collection method: clinical testing. Allele origin: germline.

NM_004560.4(ROR2):c.1709C>T (p.Pro570Leu)

Gene: ROR2 (receptor tyrosine kinase like orphan receptor 2; minus strand). Cytogenetic location: 9q22.31.
Variant type: single nucleotide variant.
Coding change: c.1709C>T on transcript NM_004560.4 (MANE Select); coding-DNA position 1709, C replaced by T.
Protein change: p.Pro570Leu; replaces proline 570 with leucine.
Molecular consequence: missense variant.
Genome position (GRCh38, 1-based): chr9:91,724,785, G>A on the plus strand (C>T on the coding strand, the complement: ROR2 is on the minus strand). VCF-style: chr9-91724785-G-A. GRCh37 (hg19) VCF-style: chr9-94487067-G-A.
Other names: short protein forms P570L.
Identifiers: ClinVar variation 2205002 (VCV002205002.6), dbSNP rs546802275, ClinGen allele CA5120600.